The following is an entry in ClinVar:

NM_022168.4(IFIH1):c.2485A>C (p.Thr829Pro)

Gene: IFIH1 (interferon induced with helicase C domain 1; minus strand). Cytogenetic location: 2q24.2.
Variant type: single nucleotide variant.
Coding change: c.2485A>C on transcript NM_022168.4 (MANE Select); coding-DNA position 2485, A replaced by C.
Protein change: p.Thr829Pro; replaces threonine 829 with proline.
Molecular consequence: missense variant.
Genome position (GRCh38, 1-based): chr2:162,272,357, T>G on the plus strand (A>C on the coding strand, the complement: IFIH1 is on the minus strand). VCF-style: chr2-162272357-T-G. GRCh37 (hg19) VCF-style: chr2-163128867-T-G.
Other names: c.2485A>C (NM_022168.2); short protein forms T829P.
Identifiers: ClinVar variation 2196239 (VCV002196239.7), dbSNP rs201027557, ClinGen allele CA59655731.
Genomic context (GRCh38, chr2:162,272,357, plus strand): 5'-AATCATTAACTGTCTCATGTTCGATAACTCCTGAACCACTGTGAGCAACCAGGACGTAGG[T>G]GCTCTCATCAGCTCTGGCTCGACCACGGGCCTGAAAACACAAATAAATCAAGTAAATGAA-3'
Protein context (NP_071451.2, residues 819-839): ARGRARADES[Thr829Pro]YVLVAHSGSG

ClinVar aggregate classification (germline): Uncertain significance. Review status: criteria provided, multiple submitters, no conflicts (2 of 4 stars). 4 submissions from 4 submitters: Uncertain significance (4). Last evaluated 2026-01-11.

Conditions:
Singleton-Merten syndrome 1 (SGMRT1). Also called: Widened medullary cavities of bone, aortic calcification, abnormal dentition, and muscular weakness; Syndrome of widened medullary cavities of the metacarpals and phalanges, aortic calcification and abnormal dentition. Identifiers: Orphanet 85191, MedGen C4225427, MONDO:0024535, OMIM 182250.
Aicardi-Goutieres syndrome 7 (AGS7). Identifiers: Orphanet 51, MedGen C3888244, MONDO:0014367, OMIM 615846.
Inborn genetic diseases. Identifiers: MedGen C0950123, MeSH D030342.

Allele frequency attached by ClinVar (database versions not stated): gnomAD exomes below 0.00001.
gnomAD v4.1: 1 of 1,613,382 alleles (0.000062%); highest among the groups gnomAD compares: Non-Finnish European, 0.000085%; no homozygotes.

Submissions (4):

3billion
Classification: Uncertain significance for Aicardi-Goutieres syndrome 7. Last evaluated: 2026-01-11. Review status: criteria provided, single submitter. Criteria: ACMG Guidelines, 2015. Collection method: clinical testing. Allele origin: germline. Affected: yes.
Comment: The variant is observed at an extremely low frequency in the gnomAD v4.1.0 dataset (total allele frequency: <0.001%). Predicted Consequence/Location: Missense variant. Missense changes are a common disease-causing mechanism. A different missense change at the same codon (p.Thr829Ser) has been reported to be associated with IFIH1-related disorder (ClinVar ID: VCV000812537 /PMID: 31898846). However the evidence of pathogenicity is insufficient at this time. Therefore, this variant is classified as VUS according to the recommendation of ACMG/AMP guideline.

Labcorp Genetics (formerly Invitae), Labcorp
Classification: Uncertain significance for Aicardi-Goutieres syndrome 7; Singleton-Merten syndrome 1. Last evaluated: 2025-11-03. Review status: criteria provided, single submitter. Criteria: Invitae Variant Classification Sherloc (09022015). Collection method: clinical testing. Allele origin: germline.
Comment: This sequence change replaces threonine, which is neutral and polar, with proline, which is neutral and non-polar, at codon 829 of the IFIH1 protein (p.Thr829Pro). This variant is not present in population databases (gnomAD no frequency). This variant has not been reported in the literature in individuals affected with IFIH1-related conditions. This missense change has been observed in at least one individual who was not affected with IFIH1-related conditions (internal data). ClinVar contains an entry for this variant (Variation ID: 2196239). Invitae Evidence Modeling of protein sequence and biophysical properties (such as structural, functional, and spatial information, amino acid conservation, physicochemical variation, residue mobility, and thermodynamic stability) has been performed for this missense variant. However, the output from this modeling did not meet the statistical confidence thresholds required to predict the impact of this variant on IFIH1 protein function. In summary, the available evidence is currently insufficient to determine the role of this variant in disease. Therefore, it has been classified as a Variant of Uncertain Significance.

Ambry Genetics
Classification: Uncertain significance for Inborn genetic diseases. Last evaluated: 2024-12-25. Review status: criteria provided, single submitter. Criteria: Ambry Variant Classification Scheme 2023. Collection method: clinical testing. Allele origin: germline.

Women's Health and Genetics/Laboratory Corporation of America, LabCorp
Classification: Uncertain significance. Last evaluated: 2024-01-19. Review status: criteria provided, single submitter. Criteria: LabCorp Variant Classification Summary - May 2015. Collection method: clinical testing. Allele origin: germline.
Comment: Variant summary: IFIH1 c.2485A>C (p.Thr829Pro) results in a non-conservative amino acid change located in the Helicase, C-terminal domain (IPR001650) of the encoded protein sequence. Three of five in-silico tools predict a damaging effect of the variant on protein function. The variant was absent in 250860 control chromosomes. The available data on variant occurrences in the general population are insufficient to allow any conclusion about variant significance. To our knowledge, no occurrence of c.2485A>C in individuals affected with Aicardi-Goutieres Syndrome 7 and no experimental evidence demonstrating its impact on protein function have been reported. ClinVar contains an entry for this variant (Variation ID: 2196239). Based on the evidence outlined above, the variant was classified as uncertain significance.

Literature cited by the submitters: PubMed 31898846 (cited by 3billion).